The following is an entry in ClinVar:

NM_001128178.3(NPHP1):c.185C>T (p.Ala62Val)

Gene: NPHP1 (nephrocystin 1; minus strand). Cytogenetic location: 2q13.
Variant type: single nucleotide variant.
Coding change: c.185C>T on transcript NM_001128178.3 (MANE Select); coding-DNA position 185, C replaced by T.
Protein change: p.Ala62Val; replaces alanine 62 with valine.
Molecular consequence: missense variant. On other transcripts: intron variant (1).
Genome position (GRCh38, 1-based): chr2:110,179,643, G>A on the plus strand (C>T on the coding strand, the complement: NPHP1 is on the minus strand). VCF-style: chr2-110179643-G-A. GRCh37 (hg19) VCF-style: chr2-110937220-G-A.
Other names: c.185C>T, p.Ala62Val (NM_000272.5, NM_001374256.1, NM_001374257.1 and 1 more transcripts); c.144-9645C>T (NM_001128179.3); short protein forms A62V.
Identifiers: ClinVar variation 4978542 (VCV004978542.1).

ClinVar aggregate classification (germline): Uncertain significance (1 of 4 stars; one submission).

Conditions:
NPHP1-related disorder. Also called: NPHP1-related condition; NPHP1-related disorders.

Submission:

PreventionGenetics, part of Exact Sciences
Classification: Uncertain significance for NPHP1-related condition. Last evaluated: 2025-02-17. Review status: criteria provided, single submitter. Criteria: ACMG Guidelines, 2015. Collection method: clinical testing. Allele origin: germline.
Comment: The NPHP1 c.185C>T variant is predicted to result in the amino acid substitution p.Ala62Val. To our knowledge, this variant has not been reported in the literature or in a large population database (gnomAD), indicating this variant is rare. At this time, the clinical significance of this variant is uncertain due to the absence of conclusive functional and genetic evidence.